The following is an entry in ClinVar:

ClinVar aggregate classification (germline): Uncertain significance (1 of 4 stars; one submission).

Submission:

Labcorp Genetics (formerly Invitae), Labcorp
Classification: Uncertain significance. Last evaluated: 2025-10-26. Review status: criteria provided, single submitter. Criteria: Invitae Variant Classification Sherloc (09022015). Collection method: clinical testing. Allele origin: germline.
Comment: This sequence change replaces alanine, which is neutral and non-polar, with valine, which is neutral and non-polar, at codon 1440 of the SPTB protein (p.Ala1440Val). This variant is not present in population databases (gnomAD no frequency). This variant has not been reported in the literature in individuals affected with SPTB-related conditions. An algorithm developed to predict the effect of missense changes on protein structure and function (PolyPhen-2) suggests that this variant is likely to be tolerated. In summary, the available evidence is currently insufficient to determine the role of this variant in disease. Therefore, it has been classified as a Variant of Uncertain Significance.

NM_001355436.2(SPTB):c.4319C>T (p.Ala1440Val)

Gene: SPTB (spectrin beta, erythrocytic; minus strand). Cytogenetic location: 14q23.3.
Variant type: single nucleotide variant.
Coding change: c.4319C>T on transcript NM_001355436.2 (MANE Select); coding-DNA position 4319, C replaced by T.
Protein change: p.Ala1440Val; replaces alanine 1440 with valine.
Molecular consequence: missense variant.
Genome position (GRCh38, 1-based): chr14:64,779,879, G>A on the plus strand (C>T on the coding strand, the complement: SPTB is on the minus strand). VCF-style: chr14-64779879-G-A. GRCh37 (hg19) VCF-style: chr14-65246597-G-A.
Other names: c.4319C>T, p.Ala1440Val (NM_001024858.4, NM_001355437.2); short protein forms A1440V.
Identifiers: ClinVar variation 4772535 (VCV004772535.1).